The following is an entry in ClinVar:

ClinVar aggregate classification (germline): Conflicting classifications of pathogenicity. Review status: criteria provided, conflicting classifications (1 of 4 stars). 2 submissions from 2 submitters: Uncertain significance (1); Likely benign (1). Last evaluated 2026-01-05.

Conditions:
Hereditary cancer-predisposing syndrome. Also called: Neoplastic Syndromes, Hereditary; Tumor predisposition; Hereditary Cancer Syndrome; Hereditary neoplastic syndrome. Identifiers: Orphanet 140162, MedGen C0027672, MeSH D009386, MONDO:0015356.
Neuroblastoma, susceptibility to, 3. Also called: ALK-Related Neuroblastic Tumor Susceptibility. Identifiers: Orphanet 635, MedGen C2751681, MONDO:0013083, OMIM 613014.

gnomAD v4.1: 1 of 1,614,066 alleles (0.000062%); highest among the groups gnomAD compares: Non-Finnish European, 0.000085%; no homozygotes.

Submissions (2):

Ambry Genetics
Classification: Likely benign for Hereditary cancer-predisposing syndrome. Last evaluated: 2026-01-05. Review status: criteria provided, single submitter. Criteria: Ambry Variant Classification Scheme 2023. Collection method: clinical testing. Allele origin: germline.

Labcorp Genetics (formerly Invitae), Labcorp
Classification: Uncertain significance for Neuroblastoma, susceptibility to, 3. Last evaluated: 2025-03-16. Review status: criteria provided, single submitter. Criteria: Invitae Variant Classification Sherloc (09022015). Collection method: clinical testing. Allele origin: germline.
Comment: This sequence change creates a premature translational stop signal (p.Glu1132*) in the ALK gene. It is expected to result in an absent or disrupted protein product. However, the current clinical and genetic evidence is not sufficient to establish whether loss-of-function variants in ALK cause disease. This variant is not present in population databases (gnomAD no frequency). This variant has not been reported in the literature in individuals affected with ALK-related conditions. In summary, the available evidence is currently insufficient to determine the role of this variant in disease. Therefore, it has been classified as a Variant of Uncertain Significance.

NM_004304.5(ALK):c.3394G>T (p.Glu1132Ter)

Gene: ALK (ALK receptor tyrosine kinase; minus strand). Cytogenetic location: 2p23.2.
Variant type: single nucleotide variant.
Coding change: c.3394G>T on transcript NM_004304.5 (MANE Select); coding-DNA position 3394, G replaced by T.
Protein change: p.Glu1132Ter; replaces glutamic acid 1132 with a stop codon.
Molecular consequence: nonsense.
Genome position (GRCh38, 1-based): chr2:29,222,573, C>A on the plus strand (G>T on the coding strand, the complement: ALK is on the minus strand). VCF-style: chr2-29222573-C-A. GRCh37 (hg19) VCF-style: chr2-29445439-C-A.
Other names: c.3394G>T (NM_004304.4); c.190G>T, p.Glu64Ter (NM_001353765.2); short protein forms E1132*, E64*.
Identifiers: ClinVar variation 4714951 (VCV004714951.2).